The following is an entry in ClinVar:

ClinVar aggregate classification (germline): Uncertain significance (1 of 4 stars; one submission).

Conditions:
Hypertrophic cardiomyopathy. Also called: HYPERTROPHIC MYOCARDIOPATHY. Identifiers: Orphanet 217569, MedGen C0007194, MeSH D002312, MONDO:0005045, HP:0001639.

Submission:

Labcorp Genetics (formerly Invitae), Labcorp
Classification: Uncertain significance for Hypertrophic cardiomyopathy. Last evaluated: 2023-06-30. Review status: criteria provided, single submitter. Criteria: Invitae Variant Classification Sherloc (09022015). Collection method: clinical testing. Allele origin: germline.
Comment: In summary, the available evidence is currently insufficient to determine the role of this variant in disease. Therefore, it has been classified as a Variant of Uncertain Significance. Algorithms developed to predict the effect of sequence changes on RNA splicing suggest that this variant may disrupt the consensus splice site. An algorithm developed to predict the effect of missense changes on protein structure and function (PolyPhen-2) suggests that this variant is likely to be disruptive. This variant has not been reported in the literature in individuals affected with MYBPC3-related conditions. This variant is not present in population databases (gnomAD no frequency). This sequence change replaces valine, which is neutral and non-polar, with glycine, which is neutral and non-polar, at codon 1063 of the MYBPC3 protein (p.Val1063Gly).

NM_000256.3(MYBPC3):c.3188T>G (p.Val1063Gly)

Gene: MYBPC3 (myosin binding protein C3; minus strand). Cytogenetic location: 11p11.2.
Variant type: single nucleotide variant.
Coding change: c.3188T>G on transcript NM_000256.3 (MANE Select); coding-DNA position 3188, T replaced by G.
Protein change: p.Val1063Gly; replaces valine 1063 with glycine.
Molecular consequence: missense variant.
Genome position (GRCh38, 1-based): chr11:47,333,559, A>C on the plus strand (T>G on the coding strand, the complement: MYBPC3 is on the minus strand). VCF-style: chr11-47333559-A-C. GRCh37 (hg19) VCF-style: chr11-47355110-A-C.
Other names: short protein forms V1063G.
Identifiers: ClinVar variation 2733564 (VCV002733564.3), dbSNP rs988454775, ClinGen allele CA380314607.